The following is an entry in ClinVar:

ClinVar aggregate classification (germline): Uncertain significance. Review status: criteria provided, multiple submitters, no conflicts (2 of 4 stars). 2 submissions from 2 submitters: Uncertain significance (2). Last evaluated 2020-11-16.

Conditions:
Cardiovascular phenotype. Identifiers: MedGen CN230736.

Allele frequency attached by ClinVar (database versions not stated): gnomAD exomes 0.00001 and 0.00003; TOPMed 0.00002; gnomAD 0.00003; ExAC 0.00005.
gnomAD v4.1: 14 of 1,607,932 alleles (0.00087%); highest among the groups gnomAD compares: East Asian, 0.025%; no homozygotes.

Submissions (2):

Revvity Omics, Revvity
Classification: Uncertain significance. Last evaluated: 2020-11-16. Review status: criteria provided, single submitter. Criteria: ACMG Guidelines, 2015. Collection method: clinical testing. Allele origin: germline.

Ambry Genetics
Classification: Uncertain significance for Cardiovascular phenotype. Last evaluated: 2017-11-03. Review status: criteria provided, single submitter. Criteria: Ambry Variant Classification Scheme 2023. Collection method: clinical testing. Allele origin: germline.
Comment: The p.A22466T variant (also known as c.67396G>A), located in coding exon 168 of the TTN gene, results from a G to A substitution at nucleotide position 67396. The alanine at codon 22466 is replaced by threonine, an amino acid with similar properties. This amino acid position is poorly conserved in available vertebrate species. In addition, this alteration is predicted to be tolerated by in silico analysis. Since supporting evidence is limited at this time, the clinical significance of this alteration remains unclear.

NM_001267550.2(TTN):c.94591G>A (p.Ala31531Thr)

Genes: TTN (titin; minus strand), TTN-AS1 (TTN antisense RNA 1; plus strand). Cytogenetic location: 2q31.2.
Variant type: single nucleotide variant.
Coding change: c.94591G>A on transcript NM_001267550.2 (MANE Select); coding-DNA position 94591, G replaced by A.
Protein change: p.Ala31531Thr; replaces alanine 31531 with threonine.
Molecular consequence: missense variant.
Genome position (GRCh38, 1-based): chr2:178,546,837, C>T on the plus strand (G>A on the coding strand, the complement: TTN is on the minus strand). VCF-style: chr2-178546837-C-T. GRCh37 (hg19) VCF-style: chr2-179411564-C-T.
Other names: c.89668G>A, p.Ala29890Thr (NM_001256850.1); c.67396G>A, p.Ala22466Thr (NM_003319.4); c.86887G>A, p.Ala28963Thr (NM_133378.4); c.67771G>A, p.Ala22591Thr (NM_133432.3); c.67972G>A, p.Ala22658Thr (NM_133437.4); short protein forms A22466T, A31531T, A22591T, A29890T, A22658T, A28963T.
Identifiers: ClinVar variation 518735 (VCV000518735.8), dbSNP rs765066425, ClinGen allele CA1987097.
Genomic context (GRCh38, chr2:178,546,837, plus strand): 5'-CCTCACTGACTGGCTTACGCTCTATGATGTAGCCCACAACCTTGCTGCCTCCATCATACG[C>T]TGGGGCAGACCAAATCAGTGATACTGTTGATCTTGTGACATCTGTCACCTCTGGTCTGCC-3'
Protein context (NP_001254479.2, residues 31521-31541): STVSLIWSAP[Ala31531Thr]YDGGSKVVGY